The following is an entry in ClinVar:

NM_004168.4(SDHA):c.1476T>C (p.Ser492=)

Gene: SDHA (succinate dehydrogenase complex flavoprotein subunit A; plus strand). Cytogenetic location: 5p15.33.
Variant type: single nucleotide variant.
Coding change: c.1476T>C on transcript NM_004168.4 (MANE Select); coding-DNA position 1476, T replaced by C.
Protein change: p.Ser492=; no amino-acid change (serine 492 retained).
Molecular consequence: synonymous variant.
Genome position (GRCh38, 1-based): chr5:240,401, T>C. VCF-style: chr5-240401-T-C. GRCh37 (hg19) VCF-style: chr5-240516-T-C.
Other names: c.1332T>C, p.Ser444= (NM_001294332.2); c.1476T>C, p.Ser492= (NM_001330758.2).
Identifiers: ClinVar variation 472335 (VCV000472335.12), dbSNP rs1376968004, ClinGen allele CA442692215.

ClinVar aggregate classification (germline): Benign/Likely benign. Review status: criteria provided, multiple submitters, no conflicts (2 of 4 stars). 3 submissions from 3 submitters: Benign (1); Likely benign (2). Last evaluated 2026-01-05.

Conditions:
Hereditary cancer-predisposing syndrome. Also called: Neoplastic Syndromes, Hereditary; Hereditary Cancer Syndrome; Hereditary neoplastic syndrome; Tumor predisposition. Identifiers: Orphanet 140162, MedGen C0027672, MeSH D009386, MONDO:0015356.
Mitochondrial complex II deficiency, nuclear type 1. Also called: SUCCINATE CoQ REDUCTASE DEFICIENCY. Identifiers: Orphanet 3208, MedGen C5700310, MONDO:0100294, OMIM 252011.
Pheochromocytoma/paraganglioma syndrome 5. Also called: Paragangliomas 5; SDHA-Related Hereditary Paraganglioma-Pheochromocytoma Syndrome. Identifiers: Orphanet 29072, MedGen C3279992, MONDO:0013602, OMIM 614165.

Allele frequency attached by ClinVar (database versions not stated): TOPMed 0.00001; gnomAD 0.00001.
gnomAD v4.1: 3 of 1,610,776 alleles (0.00019%); highest among the groups gnomAD compares: African/African-American, 0.004%; no homozygotes.

Submissions (3):

Labcorp Genetics (formerly Invitae), Labcorp
Classification: Likely benign for Pheochromocytoma/paraganglioma syndrome 5; Mitochondrial complex II deficiency, nuclear type 1. Last evaluated: 2026-01-05. Review status: criteria provided, single submitter. Criteria: Invitae Variant Classification Sherloc (09022015). Collection method: clinical testing. Allele origin: germline.

Myriad Genetics, Inc.
Classification: Benign for Pheochromocytoma/paraganglioma syndrome 5. Last evaluated: 2025-03-10. Review status: criteria provided, single submitter. Criteria: Myriad Autosomal Dominant, Autosomal Recessive and X-Linked Classification Criteria (2023). Collection method: clinical testing. Allele origin: unknown.
Comment: This variant is considered benign. This variant is a silent/synonymous amino acid change and it is not expected to impact splicing.

Ambry Genetics
Classification: Likely benign for Hereditary cancer-predisposing syndrome. Last evaluated: 2020-01-28. Review status: criteria provided, single submitter. Criteria: Ambry Variant Classification Scheme 2023. Collection method: clinical testing. Allele origin: germline.